The following is an entry in ClinVar:

NM_001048174.2(MUTYH):c.539T>C (p.Leu180Pro)

Gene: MUTYH (mutY DNA glycosylase; minus strand). Cytogenetic location: 1p34.1.
Variant type: single nucleotide variant.
Coding change: c.539T>C on transcript NM_001048174.2 (MANE Select); coding-DNA position 539, T replaced by C.
Protein change: p.Leu180Pro; replaces leucine 180 with proline.
Molecular consequence: missense variant. On other transcripts: non-coding transcript variant (7).
Genome position (GRCh38, 1-based): chr1:45,332,641, A>G on the plus strand (T>C on the coding strand, the complement: MUTYH is on the minus strand). VCF-style: chr1-45332641-A-G. GRCh37 (hg19) VCF-style: chr1-45798313-A-G.
Other names: c.560T>C, p.Leu187Pro (NM_001407087.1); c.539T>C, p.Leu180Pro (NM_001407088.1, NM_001407089.1, NM_001407070.1 and 6 more transcripts); c.263T>C, p.Leu88Pro (NM_001407091.1, NM_001293196.2, NM_001293192.2); c.614T>C, p.Leu205Pro (NM_012222.3); c.194T>C, p.Leu65Pro (NM_001350650.2, NM_001350651.2, NM_001407082.1); c.572T>C, p.Leu191Pro (NM_001407069.1, NM_001293191.2, NM_001407077.1); c.542T>C, p.Leu181Pro (NM_001407071.1, NM_001407086.1, NM_001048172.2 and 1 more transcripts); c.500T>C, p.Leu167Pro (NM_001407079.1); and 5 more; short protein forms L152P, L166P, L167P, L180P, L181P, L187P, L191P, L194P.
Identifiers: ClinVar variation 3242101 (VCV003242101.1), dbSNP rs764850896.
Genomic context (GRCh38, chr1:45,332,641, plus strand): 5'-AAGGCGATAGAGGCAATGGCCCCAGCTGTGTAGCGCCCCACGCCAGGCAGGAGCTGCTGC[A>G]GGGTCTCTGCTGTACGTGGCATGTGGCCCCCTAGCTCCTCTACCACCTGATTGGAGTGCA-3'
Protein context (NP_001041639.1, residues 170-190): GGHMPRTAET[Leu180Pro]QQLLPGVGRY

ClinVar aggregate classification (germline): Uncertain significance (1 of 4 stars; one submission).

Conditions:
Familial adenomatous polyposis 2. Also called: Adenomas, multiple colorectal; COLORECTAL ADENOMATOUS POLYPOSIS, AUTOSOMAL RECESSIVE; ADENOMAS, MULTIPLE COLORECTAL, AUTOSOMAL RECESSIVE; FAP type 2; MUTYH Polyposis; MYH-associated polyposis. Identifiers: Orphanet 220460, Orphanet 247798, MedGen C3272841, MONDO:0012041, OMIM 608456.

Allele frequency attached by ClinVar (database versions not stated): gnomAD exomes below 0.00001; ExAC 0.00001.
gnomAD v4.1: 2 of 1,614,166 alleles (0.00012%); highest among the groups gnomAD compares: South Asian, 0.0011%; no homozygotes.

Submission:

Neuberg Centre For Genomic Medicine, NCGM
Classification: Uncertain significance for Familial adenomatous polyposis 2. Review status: criteria provided, single submitter. Criteria: ACMG Guidelines, 2015. Collection method: clinical testing. Allele origin: germline. Inheritance: Autosomal recessive inheritance. Affected: yes.
Comment: The observed missense c.539T>C (p.Leu180Pro) variant in MUTYH gene has not been reported previously as a pathogenic variant nor as a benign variant, to our knowledge. The p.Leu180Pro variant is reported with allele frequency of 0.0004% in gnomAD Exomes. This variant has not been submitted to the ClinVar database. The amino acid change p.Leu180Pro in MUTYH is predicted as conserved by GERP++ and PhyloP across 100 vertebrates. The amino acid Leu at position 180 is changed to a Pro changing protein sequence and it might alter its composition and physico-chemical properties. Multiple lines of computational evidence (Polyphen - Probably damaging, SIFT - Damaging and MutationTaster - Disease causing) predict a damaging effect on protein structure and function for this variant. For these reasons, this variant has been classified as a Variant of Uncertain Significance (VUS).